The following is an entry in ClinVar:

NM_003816.3(ADAM9):c.673-4C>G

Gene: ADAM9 (ADAM metallopeptidase domain 9; plus strand). Cytogenetic location: 8p11.22.
Variant type: single nucleotide variant.
Coding change: c.673-4C>G on transcript NM_003816.3 (MANE Select); 4 bases into the intron before coding-DNA position 673, C replaced by G.
Molecular consequence: intron variant.
Genome position (GRCh38, 1-based): chr8:39,021,639, C>G. VCF-style: chr8-39021639-C-G. GRCh37 (hg19) VCF-style: chr8-38879158-C-G.
Other names: c.673-4C>G (NM_003816.2).
Identifiers: ClinVar variation 1667258 (VCV001667258.10), dbSNP rs566385221, ClinGen allele CA4721414.

ClinVar aggregate classification (germline): Likely benign. Review status: criteria provided, single submitter (1 of 4 stars). 2 submissions from 2 submitters: Likely benign (1). 1 of the submissions does not count toward it. Last evaluated 2025-02-24.

Conditions:
ADAM9-related disorder. Also called: ADAM9-related condition.

Allele frequency attached by ClinVar (database versions not stated): gnomAD 0.00001; TOPMed 0.00002; gnomAD exomes 0.00005 and 0.00010; ExAC 0.00011; 1000 Genomes Project 30x 0.00016; 1000 Genomes Project 0.00020.
gnomAD v4.1: 68 of 1,613,266 alleles (0.0042%); highest among the groups gnomAD compares: South Asian, 0.072%; 1 homozygote.

Submissions (2):

Labcorp Genetics (formerly Invitae), Labcorp
Classification: Likely benign. Last evaluated: 2025-02-24. Review status: criteria provided, single submitter. Criteria: Invitae Variant Classification Sherloc (09022015). Collection method: clinical testing. Allele origin: germline.

PreventionGenetics, part of Exact Sciences
Classification: Likely benign for ADAM9-related condition. Last evaluated: 2019-09-19. Review status: no assertion criteria provided. Collection method: clinical testing. Allele origin: germline. Not counted in ClinVar's aggregate classification.
Comment: This variant is classified as likely benign based on ACMG/AMP sequence variant interpretation guidelines (Richards et al. 2015 PMID: 25741868, with internal and published modifications).